The following is an entry in ClinVar:

NM_032043.3(BRIP1):c.807_826del (p.Gly270fs)

Gene: BRIP1 (BRCA1 interacting DNA helicase 1; minus strand). Cytogenetic location: 17q23.2.
Variant type: Deletion.
Coding change: c.807_826del on transcript NM_032043.3 (MANE Select); coding-DNA positions 807 to 826, 20 bases deleted (AGGGGTTCCAATGACTATTC).
Protein change: p.Gly270fs; shifts the reading frame from glycine 270.
Molecular consequence: frameshift variant.
Genome position (GRCh38, 1-based): chr17:61,808,559-61,808,578, GAATAGTCATTGGAACCCCT deleted on the plus strand (AGGGGTTCCAATGACTATTC on the coding strand, the reverse complement: BRIP1 is on the minus strand); deleting any 20 consecutive bases within chr17:61,808,559-61,808,583 gives the same sequence; the c. name uses the placement nearest the transcript's 3' end. VCF-style (leftmost placement, unchanged base first): chr17-61808558-AGAATAGTCATTGGAACCCCT-A. GRCh37 (hg19) VCF-style: chr17-59885919-AGAATAGTCATTGGAACCCCT-A.
Other names: short protein forms G270fs.
Identifiers: ClinVar variation 2583602 (VCV002583602.2), dbSNP rs2545194914, ClinGen allele CA2582342239.

ClinVar aggregate classification (germline): Pathogenic (1 of 4 stars; one submission).

Conditions:
Familial cancer of breast. Also called: Hereditary breast cancer; BREAST CANCER, FAMILIAL; hereditary breast carcinoma. Identifiers: Orphanet 227535, MedGen C0346153, MONDO:0016419, OMIM 114480. Disease mechanism: loss of function.

Submission:

Myriad Genetics, Inc.
Classification: Pathogenic for Familial cancer of breast. Last evaluated: 2023-05-31. Review status: criteria provided, single submitter. Criteria: Myriad Autosomal Dominant, Autosomal Recessive and X-Linked Classification Criteria (2023). Collection method: clinical testing. Allele origin: unknown.
Comment: This variant is considered pathogenic. This variant creates a frameshift predicted to result in premature protein truncation.